The following is an entry in ClinVar:

ClinVar aggregate classification (germline): Benign/Likely benign. Review status: criteria provided, multiple submitters, no conflicts (2 of 4 stars). 2 submissions from 2 submitters: Benign (1); Likely benign (1). Last evaluated 2025-03-03.

Conditions:
Pheochromocytoma/paraganglioma syndrome 5. Also called: Paragangliomas 5; SDHA-Related Hereditary Paraganglioma-Pheochromocytoma Syndrome. Identifiers: Orphanet 29072, MedGen C3279992, MONDO:0013602, OMIM 614165.
Hereditary cancer-predisposing syndrome. Also called: Neoplastic Syndromes, Hereditary; Tumor predisposition; Hereditary Cancer Syndrome; Hereditary neoplastic syndrome. Identifiers: Orphanet 140162, MedGen C0027672, MeSH D009386, MONDO:0015356.

Submissions (2):

Myriad Genetics, Inc.
Classification: Benign for Pheochromocytoma/paraganglioma syndrome 5. Last evaluated: 2025-03-03. Review status: criteria provided, single submitter. Criteria: Myriad Autosomal Dominant, Autosomal Recessive and X-Linked Classification Criteria (2023). Collection method: clinical testing. Allele origin: unknown.
Comment: This variant is considered benign. This variant is a silent/synonymous amino acid change and it is not expected to impact splicing.

Ambry Genetics
Classification: Likely benign for Hereditary cancer-predisposing syndrome. Last evaluated: 2024-12-08. Review status: criteria provided, single submitter. Criteria: Ambry Variant Classification Scheme 2023. Collection method: clinical testing. Allele origin: germline.

NM_004168.4(SDHA):c.843C>T (p.Thr281=)

Gene: SDHA (succinate dehydrogenase complex flavoprotein subunit A; plus strand). Cytogenetic location: 5p15.33.
Variant type: single nucleotide variant.
Coding change: c.843C>T on transcript NM_004168.4 (MANE Select); coding-DNA position 843, C replaced by T.
Protein change: p.Thr281=; no amino-acid change (threonine 281 retained).
Molecular consequence: synonymous variant.
Genome position (GRCh38, 1-based): chr5:230,948, C>T. VCF-style: chr5-230948-C-T. GRCh37 (hg19) VCF-style: chr5-231063-C-T.
Other names: c.699C>T, p.Thr233= (NM_001294332.2); c.843C>T, p.Thr281= (NM_001330758.2).
Identifiers: ClinVar variation 3438668 (VCV003438668.2).
Genomic context (GRCh38, chr5:230,948, plus strand): 5'-CACCTACTTCAGCTGCACGTCTGCCCACACCAGCACTGGCGACGGCACGGCCATGATCAC[C>T]AGGGCAGGCCTTCCTTGCCAGGACCTAGAGTTTGTTCAGTTCCACCCTACAGGTAGGGCA-3'
Protein context (NP_004159.2, residues 271-291): TSTGDGTAMI[Thr281=]RAGLPCQDLE